The following is an entry in ClinVar:

ClinVar aggregate classification (germline): Conflicting classifications of pathogenicity. Review status: criteria provided, conflicting classifications (1 of 4 stars). 17 submissions from 16 submitters: Uncertain significance (1); Benign (7); Likely benign (6). 3 of the submissions do not count toward it. Last evaluated 2026-08-01.

Conditions:
Monogenic diabetes. Identifiers: Orphanet 183625, MedGen C3888631, MONDO:0015967.
WFS1-Related Spectrum Disorders.
Autosomal dominant nonsyndromic hearing loss 6 (LFSNHL). Also called: Autosomal dominant nonsyndromic deafness 6; DEAFNESS, AUTOSOMAL DOMINANT 14; DEAFNESS, AUTOSOMAL DOMINANT 38; DEAFNESS, AUTOSOMAL DOMINANT 6. Identifiers: Orphanet 90635, MedGen C1833021, MONDO:0010963, OMIM 600965.
Cataract 41 (CTRCT41). Also called: CATARACT 41, CONGENITAL NUCLEAR TYPE. Identifiers: Orphanet 91492, Orphanet 98991, Orphanet 98992, Orphanet 98995, MedGen C3805412, MONDO:0007287, OMIM 116400.
Wolfram syndrome 1 (WFS1). Identifiers: Orphanet 3463, MedGen C4551693, MONDO:0009101, OMIM 222300.
Wolfram-like syndrome. Also called: HEARING LOSS, PROGRESSIVE, WITH OPTIC ATROPHY AND/OR IMPAIRED GLUCOSE REGULATION. Identifiers: Orphanet 411590, MedGen C3280358, MONDO:0013673, OMIM 614296.
Type 2 diabetes mellitus. Also called: Type II diabetes mellitus. Identifiers: MedGen C0011860, MeSH D003924, MONDO:0005148, OMIM 125853, HP:0005978.
Optic atrophy. Identifiers: MedGen C0029124, MONDO:0003608, HP:0000648.

Allele frequency attached by ClinVar (database versions not stated): gnomAD 0.00810 and 0.00761; 1000 Genomes Project 0.00839; TOPMed 0.00854; ESP Exome Variant Server 0.00853; gnomAD exomes 0.00203; ExAC 0.00240; 1000 Genomes Project 30x 0.00921.
gnomAD v4.1: 2,817 of 1,611,558 alleles (0.17%); highest among the groups gnomAD compares: African/African-American, 2.4%; 21 homozygotes.

Submissions (17):

CeGaT Center for Human Genetics Tuebingen
Classification: Benign. Last evaluated: 2026-08-01. Review status: criteria provided, single submitter. Criteria: CeGaT Center For Human Genetics Tuebingen Variant Classification Criteria Version 2. Collection method: clinical testing. Allele origin: germline. Affected: yes. Observed: 3 variant alleles.
Comment: WFS1: BP4, BS1, BS2

Labcorp Genetics (formerly Invitae), Labcorp
Classification: Benign. Last evaluated: 2026-01-27. Review status: criteria provided, single submitter. Criteria: Invitae Variant Classification Sherloc (09022015). Collection method: clinical testing. Allele origin: germline.

Blueprint Genetics
Classification: Likely benign. Last evaluated: 2024-11-26. Review status: criteria provided, single submitter. Criteria: ACMG Guidelines, 2015. Collection method: clinical testing. Allele origin: germline.

ARUP Laboratories, Molecular Genetics and Genomics, ARUP Laboratories
Classification: Benign. Last evaluated: 2023-11-22. Review status: criteria provided, single submitter. Criteria: ARUP Molecular Germline Variant Investigation Process 2024. Collection method: clinical testing. Allele origin: germline.

Fulgent Genetics
Classification: Likely benign for Cataract 41; Type 2 diabetes mellitus; Wolfram syndrome 1; Autosomal dominant nonsyndromic hearing loss 6; Wolfram-like syndrome. Last evaluated: 2021-11-10. Review status: criteria provided, single submitter. Criteria: ACMG Guidelines, 2015. Collection method: clinical testing. Allele origin: unknown.

Institute of Human Genetics, Univ. Regensburg, Univ. Regensburg
Classification: Uncertain significance for Optic atrophy. Last evaluated: 2021-01-01. Review status: criteria provided, single submitter. Criteria: ACMG Guidelines, 2015. Collection method: clinical testing. Allele origin: germline. Affected: yes.

Personalized Diabetes Medicine Program, University of Maryland School of Medicine
Classification: Benign for Monogenic diabetes. Last evaluated: 2019-01-11. Review status: criteria provided, single submitter. Criteria: ACMG Guidelines, 2015. Collection method: research. Allele origin: unknown. Observed: 4 variant alleles, 4 heterozygotes.
Comment: ACMG criteria: BA1 (2.5% in gnomAD Africans), BS2 (equal cases and controls in T2DM and 3 homozygotes in gnomAD) (REVEL 0.229 + PP3/3 predictors + BP4/6 predictors= conflicting evidence, not using)=benign

Illumina Laboratory Services, Illumina
Classification: Likely benign for WFS1-Related Spectrum Disorders. Last evaluated: 2017-04-27. Review status: criteria provided, single submitter. Criteria: ICSL Variant Classification Criteria 13 December 2019. Collection method: clinical testing. Allele origin: germline.
Comment: This variant was observed as part of a predisposition screen in an ostensibly healthy population. A literature search was performed for the gene, cDNA change, and amino acid change (where applicable). Publications were found based on this search. The evidence from the literature, in combination with allele frequency data from public databases where available, was sufficient to determine this variant is unlikely to cause disease. Therefore, this variant is classified as likely benign.

Illumina Laboratory Services, Illumina
Classification: Likely benign for Autosomal dominant nonsyndromic hearing loss 6. Last evaluated: 2017-04-27. Review status: criteria provided, single submitter. Criteria: ICSL Variant Classification Criteria 13 December 2019. Collection method: clinical testing. Allele origin: germline.
Comment: the same text as in the submission from Illumina Laboratory Services, Illumina above.

Eurofins Ntd Llc (ga)
Classification: Benign. Last evaluated: 2016-05-26. Review status: criteria provided, single submitter. Criteria: EGL Classification Definitions 2015. Collection method: clinical testing. Allele origin: germline. Observed: 1 variant allele, 1 heterozygote.

GeneDx
Classification: Benign. Last evaluated: 2014-06-23. Review status: criteria provided, single submitter. Criteria: GeneDx Variant Classification (06012015). Collection method: clinical testing. Allele origin: germline. Affected: yes.
Comment: This variant is considered likely benign or benign based on one or more of the following criteria: it is a conservative change, it occurs at a poorly conserved position in the protein, it is predicted to be benign by multiple in silico algorithms, and/or has population frequency not consistent with disease.

Laboratory for Molecular Medicine, Mass General Brigham Personalized Medicine
Classification: Benign. Last evaluated: 2012-05-07. Review status: criteria provided, single submitter. Criteria: LMM Criteria. Collection method: clinical testing. Allele origin: germline. Observed: 15 variant alleles.
Comment: Leu499Phe in Exon 08 of WFS1: This variant is not expected to have clinical sign ificance because it has been identified in 2.6% (98/3738) of African American ch romosomes from a broad population by the NHLBI Exome Sequencing Project (dbSNP rs114152068).

Breakthrough Genomics
Classification: Likely benign. Review status: criteria provided, single submitter. Criteria: ACMG Guidelines, 2015. Collection method: not provided. Allele origin: germline. Inheritance: Autosomal recessive inheritance. Affected: yes.

Clinical Genomics, Uppaluri K&H Personalized Medicine Clinic
Classification: Likely benign for Wolfram syndrome 1. Review status: criteria provided, single submitter. Criteria: K & H Uppaluri Personalized Medicine Clinic Variant Classification & Assertion Criteria_Updated V.1. Collection method: research. Allele origin: unknown. Inheritance: Autosomal recessive inheritance.
Comment: Mutations in WFS1 gene are associated with Wolfram's syndrome, an autosomal recessive condition, which cause diabetes mellitus, diabetes insipidus, deafness and optic atrophy. rs114152068 variant is also seen in patients with Diabetes Mellitus. However, the role of this particular variant is yet to be ascertained.

Clinical Genetics DNA and cytogenetics Diagnostics Lab, Erasmus MC, Erasmus Medical Center
Classification: Benign. Review status: no assertion criteria provided. Collection method: clinical testing. Allele origin: germline. Affected: yes. Study: VKGL Data-share Consensus. Not counted in ClinVar's aggregate classification.

Clinical Genetics, Academic Medical Center
Classification: Benign. Review status: no assertion criteria provided. Collection method: clinical testing. Allele origin: germline. Affected: yes. Study: VKGL Data-share Consensus. Not counted in ClinVar's aggregate classification.

Laboratory of Diagnostic Genome Analysis, Leiden University Medical Center (LUMC)
Classification: Likely benign. Review status: no assertion criteria provided. Collection method: clinical testing. Allele origin: germline. Affected: yes. Study: VKGL Data-share Consensus. Not counted in ClinVar's aggregate classification.

Literature cited by the submitters: PubMed 11920861 (cited by Institute of Human Genetics, Univ. Regensburg, Univ. Regensburg and Illumina Laboratory Services, Illumina); PubMed 25133958 (cited by Institute of Human Genetics, Univ. Regensburg, Univ. Regensburg and Illumina Laboratory Services, Illumina); PubMed 29563951 (cited by Institute of Human Genetics, Univ. Regensburg, Univ. Regensburg); PubMed 12955714 (cited by Clinical Genomics, Uppaluri K&H Personalized Medicine Clinic).

NM_006005.3(WFS1):c.1495C>T (p.Leu499Phe)

Gene: WFS1 (wolframin ER transmembrane glycoprotein; plus strand). Cytogenetic location: 4p16.1.
Variant type: single nucleotide variant.
Coding change: c.1495C>T on transcript NM_006005.3 (MANE Select); coding-DNA position 1495, C replaced by T.
Protein change: p.Leu499Phe; replaces leucine 499 with phenylalanine.
Molecular consequence: missense variant.
Genome position (GRCh38, 1-based): chr4:6,301,290, C>T. VCF-style: chr4-6301290-C-T. GRCh37 (hg19) VCF-style: chr4-6303017-C-T.
Other names: c.1495C>T, p.Leu499Phe (NM_001145853.1); short protein forms L499F.
Identifiers: ClinVar variation 45436 (VCV000045436.63), dbSNP rs114152068, ClinGen allele CA282572.